The following is an entry in ClinVar:

NM_003560.4(PLA2G6):c.2032A>G (p.Lys678Glu)

Gene: PLA2G6 (phospholipase A2 group VI; minus strand). Cytogenetic location: 22q13.1.
Variant type: single nucleotide variant.
Coding change: c.2032A>G on transcript NM_003560.4 (MANE Select); coding-DNA position 2032, A replaced by G.
Protein change: p.Lys678Glu; replaces lysine 678 with glutamic acid.
Molecular consequence: missense variant.
Genome position (GRCh38, 1-based): chr22:38,115,529, T>C on the plus strand (A>G on the coding strand, the complement: PLA2G6 is on the minus strand). VCF-style: chr22-38115529-T-C. GRCh37 (hg19) VCF-style: chr22-38511536-T-C.
Other names: c.1870A>G, p.Lys624Glu (NM_001004426.3, NM_001199562.3, NM_001349865.2 and 1 more transcripts); c.2032A>G, p.Lys678Glu (NM_001349864.2); c.1498A>G, p.Lys500Glu (NM_001349867.2); c.1354A>G, p.Lys452Glu (NM_001349868.2); c.1336A>G, p.Lys446Glu (NM_001349869.2); short protein forms K446E, K452E, K500E, K624E, K678E.
Identifiers: ClinVar variation 1686075 (VCV001686075.7), dbSNP rs2087135251, ClinGen allele CA411524579.
Genomic context (GRCh38, chr22:38,115,529, plus strand): 5'-GACACAGGATTGGCTCCAGGGAGCAGTGGGTCCAGGCCCTCTGGCCTACGGCACTCACCT[T>C]GCGGATCAGGTCCTGATTGTACTCATGGATCTCGGTCATGGCATCCAGCGTGGGGTTGTT-3'
Protein context (NP_003551.2, residues 668-688): IHEYNQDLIR[Lys678Glu]GQANKVKKLS

ClinVar aggregate classification (germline): Conflicting classifications of pathogenicity. Review status: criteria provided, conflicting classifications (1 of 4 stars). 4 submissions from 4 submitters: Pathogenic (1); Uncertain significance (3). Last evaluated 2026-08-06.

Conditions:
Infantile neuroaxonal dystrophy (NBIA2A). Also called: NEURODEGENERATION WITH BRAIN IRON ACCUMULATION 2A; SEITELBERGER DISEASE; Infantile neuroaxonal dystrophy 1. Identifiers: Orphanet 35069, MedGen C0270724, MONDO:0024457, OMIM 256600.
PLA2G6-associated neurodegeneration (PLAN). Also called: phospholipase A2-associated neurodegeneration. Identifiers: Orphanet 329303, MedGen CN204472, MONDO:0017998.

Allele frequency attached by ClinVar (database versions not stated): gnomAD 0.00001; gnomAD exomes 0.00001; TOPMed 0.00001.
gnomAD v4.1: 5 of 1,612,954 alleles (0.00031%); highest among the groups gnomAD compares: Non-Finnish European, 0.00034%; no homozygotes.

Submissions (4):

OLLIN Analises Genomicas, OLLIN
Classification: Uncertain significance for Infantile neuroaxonal dystrophy. Last evaluated: 2026-08-06. Review status: criteria provided, single submitter. Criteria: ACMG Guidelines 2015 PMID 25741868. Collection method: clinical testing. Allele origin: germline. Inheritance: Autosomal recessive inheritance.
Comment: This missense variant, located in exon 14 (of 17), has been reported in ClinVar (accession VCV001686075.5), in gnomAD with an allele frequency of 0.00031%, and in the scientific literature, in compound heterozygosity, in individuals with PLA2G6 related disorders (PMID: 27516098). In silico analysis predicts that this variant has a tolerated effect. According to the currently available evidence, this variant has been classified as uncertain significance (PM2_P, PM3, BP4).

Dasa
Classification: Uncertain significance for PLA2G6-associated neurodegeneration. Last evaluated: 2025-10-27. Review status: criteria provided, single submitter. Criteria: DASA Assertion Criteria. Collection method: clinical testing. Allele origin: germline.
Comment: NM_003560.4(PLA2G6):c.2032A>G (p.Lys678Glu) is a missense variant that results in the substitution of lysine with glutamic acid. This variant has been reported in individuals with PLA2G6-related disorders (PMID: 27516098). Also, this variant is rare in population databases. The currently available literature and clinical evidence are not sufficient to establish a definitive association between this variant and the reported condition. Therefore, this variant is classified as a variant of uncertain significance.

Labcorp Genetics (formerly Invitae), Labcorp
Classification: Uncertain significance for Infantile neuroaxonal dystrophy. Last evaluated: 2022-08-25. Review status: criteria provided, single submitter. Criteria: Invitae Variant Classification Sherloc (09022015). Collection method: clinical testing. Allele origin: germline.
Comment: This missense change has been observed in individuals with clinical features of PLA2G6-related conditions (PMID: 27516098; Invitae). ClinVar contains an entry for this variant (Variation ID: 1686075). Algorithms developed to predict the effect of missense changes on protein structure and function (SIFT, PolyPhen-2, Align-GVGD) all suggest that this variant is likely to be tolerated. In summary, the available evidence is currently insufficient to determine the role of this variant in disease. Therefore, it has been classified as a Variant of Uncertain Significance. This variant is not present in population databases (gnomAD no frequency). This sequence change replaces lysine, which is basic and polar, with glutamic acid, which is acidic and polar, at codon 678 of the PLA2G6 protein (p.Lys678Glu).

Mendelics
Classification: Pathogenic for Infantile neuroaxonal dystrophy. Last evaluated: 2022-05-04. Review status: criteria provided, single submitter. Criteria: Mendelics Assertion Criteria 2019. Collection method: clinical testing. Allele origin: germline.

Literature cited by the submitters: PubMed 27516098 (cited by 3 submitters).